The following is an entry in ClinVar:

ClinVar aggregate classification (germline): Conflicting classifications of pathogenicity. Review status: criteria provided, conflicting classifications (1 of 4 stars). 4 submissions from 4 submitters: Uncertain significance (3); Benign (1). Last evaluated 2026-05-27.

Conditions:
Cardiovascular phenotype. Identifiers: MedGen CN230736.
SCN10A-related disorder. Also called: SCN10A-related condition.
Brugada syndrome. Also called: Sudden Unexplained Death Syndrome; Sudden Unexplained Nocturnal Death Syndrome (SUNDS); Sudden unexplained nocturnal death syndrome; Sudden unexpected nocturnal death syndrome. Identifiers: Orphanet 130, MedGen C1142166, MONDO:0015263.

Allele frequency attached by ClinVar (database versions not stated): gnomAD 0.00003; gnomAD exomes 0.00005 and 0.00009; TOPMed 0.00006; ESP Exome Variant Server 0.00008; ExAC 0.00009.
gnomAD v4.1: 72 of 1,613,982 alleles (0.0045%); highest among the groups gnomAD compares: Admixed American, 0.0017%; no homozygotes.

Submissions (4):

PreventionGenetics, part of Exact Sciences
Classification: Uncertain significance for SCN10A-related condition. Last evaluated: 2026-05-27. Review status: criteria provided, single submitter. Criteria: ACMG Guidelines, 2015. Collection method: clinical testing. Allele origin: germline.
Comment: The SCN10A c.4915G>A variant is predicted to result in the amino acid substitution p.Asp1639Asn. This variant has been reported in the heterozygous state in an individual with painful small fiber neuropathy with gastroparesis (Dabby et al. 2016. PubMed ID: 26711856). A functional study demonstrated that this variant causes loss-of-function of the sodium channel, which may be due to impaired cell surface trafficking (Kaluza et al. 2018. PubMed ID: 30099632). However, this variant is reported in 0.15% of alleles in individuals of Ashkenazi Jewish descent in gnomAD, which may be too frequent to be a primary cause of disease. At this time, the clinical significance of this variant is uncertain due to the absence of conclusive functional and genetic evidence.

Labcorp Genetics (formerly Invitae), Labcorp
Classification: Uncertain significance for Brugada syndrome. Last evaluated: 2024-10-23. Review status: criteria provided, single submitter. Criteria: Invitae Variant Classification Sherloc (09022015). Collection method: clinical testing. Allele origin: germline.
Comment: This sequence change replaces aspartic acid, which is acidic and polar, with asparagine, which is neutral and polar, at codon 1639 of the SCN10A protein (p.Asp1639Asn). This variant is present in population databases (rs368582725, gnomAD 0.2%). This missense change has been observed in individual(s) with diffuse painful small fiber sensory neuropathy (PMID: 26711856). ClinVar contains an entry for this variant (Variation ID: 430066). Invitae Evidence Modeling of protein sequence and biophysical properties (such as structural, functional, and spatial information, amino acid conservation, physicochemical variation, residue mobility, and thermodynamic stability) indicates that this missense variant is not expected to disrupt SCN10A protein function with a negative predictive value of 80%. Experimental studies have shown that this missense change affects SCN10A function (PMID: 30099632). In summary, the available evidence is currently insufficient to determine the role of this variant in disease. Therefore, it has been classified as a Variant of Uncertain Significance.

GeneDx
Classification: Uncertain significance. Last evaluated: 2024-04-15. Review status: criteria provided, single submitter. Criteria: GeneDx Variant Classification Process June 2021. Collection method: clinical testing. Allele origin: germline. Affected: yes.
Comment: In vitro assays show that this variant significantly reduces current density compared to wild type (PMID: 30099632); In silico analysis supports that this missense variant has a deleterious effect on protein structure/function; This variant is associated with the following publications: (PMID: 30099632, 26711856)

Ambry Genetics
Classification: Benign for Cardiovascular phenotype. Last evaluated: 2024-01-02. Review status: criteria provided, single submitter. Criteria: Ambry Variant Classification Scheme 2023. Collection method: clinical testing. Allele origin: germline.

Literature cited by the submitters: PubMed 26711856 (cited by Labcorp Genetics (formerly Invitae), Labcorp and Ambry Genetics); PubMed 30099632 (cited by Labcorp Genetics (formerly Invitae), Labcorp).

NM_006514.4(SCN10A):c.4915G>A (p.Asp1639Asn)

Gene: SCN10A (sodium voltage-gated channel alpha subunit 10; minus strand). Cytogenetic location: 3p22.2.
Variant type: single nucleotide variant.
Coding change: c.4915G>A on transcript NM_006514.4 (MANE Select); coding-DNA position 4915, G replaced by A.
Protein change: p.Asp1639Asn; replaces aspartic acid 1639 with asparagine.
Molecular consequence: missense variant.
Genome position (GRCh38, 1-based): chr3:38,698,305, C>T on the plus strand (G>A on the coding strand, the complement: SCN10A is on the minus strand). VCF-style: chr3-38698305-C-T. GRCh37 (hg19) VCF-style: chr3-38739796-C-T.
Other names: c.4912G>A, p.Asp1638Asn (NM_001293306.2); c.4621G>A, p.Asp1541Asn (NM_001293307.2); c.4915G>A (NM_006514.3); short protein forms D1639N, D1541N, D1638N.
Identifiers: ClinVar variation 430066 (VCV000430066.12), dbSNP rs368582725, ClinGen allele CA2319779.